The following is an entry in ClinVar:

ClinVar aggregate classification (germline): Uncertain significance (1 of 4 stars; one submission).

Conditions:
Autosomal dominant childhood-onset proximal spinal muscular atrophy with contractures (SMALED2A). Also called: SPINAL MUSCULAR ATROPHY, LOWER EXTREMITY-PREDOMINANT, 2A, CHILDHOOD ONSET, AUTOSOMAL DOMINANT; Spinal muscular atrophy, lower extremity-predominant, 2A, autosomal dominant. Identifiers: Orphanet 363447, Orphanet 363454, MedGen C4747715, MONDO:0014121, OMIM 615290.

Submission:

Labcorp Genetics (formerly Invitae), Labcorp
Classification: Uncertain significance for Autosomal dominant childhood-onset proximal spinal muscular atrophy with contractures. Last evaluated: 2024-02-12. Review status: criteria provided, single submitter. Criteria: Invitae Variant Classification Sherloc (09022015). Collection method: clinical testing. Allele origin: germline.
Comment: This sequence change replaces glutamic acid, which is acidic and polar, with glycine, which is neutral and non-polar, at codon 304 of the BICD2 protein (p.Glu304Gly). This variant is not present in population databases (gnomAD no frequency). This variant has not been reported in the literature in individuals affected with BICD2-related conditions. Advanced modeling of protein sequence and biophysical properties (such as structural, functional, and spatial information, amino acid conservation, physicochemical variation, residue mobility, and thermodynamic stability) performed at Invitae indicates that this missense variant is not expected to disrupt BICD2 protein function with a negative predictive value of 80%. In summary, the available evidence is currently insufficient to determine the role of this variant in disease. Therefore, it has been classified as a Variant of Uncertain Significance.

NM_001003800.2(BICD2):c.911A>G (p.Glu304Gly)

Gene: BICD2 (BICD cargo adaptor 2; minus strand). Cytogenetic location: 9q22.31.
Variant type: single nucleotide variant.
Coding change: c.911A>G on transcript NM_001003800.2 (MANE Select); coding-DNA position 911, A replaced by G.
Protein change: p.Glu304Gly; replaces glutamic acid 304 with glycine.
Molecular consequence: missense variant.
Genome position (GRCh38, 1-based): chr9:92,720,451, T>C on the plus strand (A>G on the coding strand, the complement: BICD2 is on the minus strand). VCF-style: chr9-92720451-T-C. GRCh37 (hg19) VCF-style: chr9-95482733-T-C.
Other names: c.911A>G, p.Glu304Gly (NM_015250.4); short protein forms E304G.
Identifiers: ClinVar variation 2718303 (VCV002718303.3), dbSNP rs2490451561, ClinGen allele CA374043002.